The following is an entry in ClinVar:

NM_001370.2(DNAH6):c.4399G>A (p.Gly1467Arg)

Gene: DNAH6 (dynein axonemal heavy chain 6; plus strand). Cytogenetic location: 2p11.2.
Variant type: single nucleotide variant.
Coding change: c.4399G>A on transcript NM_001370.2 (MANE Select); coding-DNA position 4399, G replaced by A.
Protein change: p.Gly1467Arg; replaces glycine 1467 with arginine.
Molecular consequence: missense variant.
Genome position (GRCh38, 1-based): chr2:84,624,947, G>A. VCF-style: chr2-84624947-G-A. GRCh37 (hg19) VCF-style: chr2-84852071-G-A.
Other names: short protein forms G1467R.
Identifiers: ClinVar variation 3046583 (VCV003046583.2), dbSNP rs1327817208, ClinGen allele CA347458281.

ClinVar aggregate classification (germline): Uncertain significance (0 of 4 stars; one submission).

Conditions:
DNAH6-related disorder. Also called: DNAH6-related condition.

Allele frequency attached by ClinVar (database versions not stated): TOPMed 0.00001; gnomAD exomes 0.00002.
gnomAD v4.1: 25 of 1,551,516 alleles (0.0016%); highest among the groups gnomAD compares: Admixed American, 0.0059%; no homozygotes.

Submission:

PreventionGenetics, part of Exact Sciences
Classification: Uncertain significance for DNAH6-related condition. Last evaluated: 2024-01-03. Review status: no assertion criteria provided. Collection method: clinical testing. Allele origin: germline.
Comment: The DNAH6 c.4399G>A variant is predicted to result in the amino acid substitution p.Gly1467Arg. To our knowledge, this variant has not been reported in the literature. This variant is reported in 0.0081% of alleles in individuals of Latino descent in gnomAD. At this time, the clinical significance of this variant is uncertain due to the absence of conclusive functional and genetic evidence.